The following is an entry in ClinVar:

NM_004364.5(CEBPA):c.901G>A (p.Asp301Asn)

Gene: CEBPA (CCAAT enhancer binding protein alpha; minus strand). Cytogenetic location: 19q13.11.
Variant type: single nucleotide variant.
Coding change: c.901G>A on transcript NM_004364.5 (MANE Select); coding-DNA position 901, G replaced by A.
Protein change: p.Asp301Asn; replaces aspartic acid 301 with asparagine.
Molecular consequence: missense variant.
Genome position (GRCh38, 1-based): chr19:33,301,514, C>T on the plus strand (G>A on the coding strand, the complement: CEBPA is on the minus strand). VCF-style: chr19-33301514-C-T. GRCh37 (hg19) VCF-style: chr19-33792420-C-T.
Other names: c.544G>A, p.Asp182Asn (NM_001285829.2); c.1006G>A, p.Asp336Asn (NM_001287424.2); c.859G>A, p.Asp287Asn (NM_001287435.2); c.901G>A (NM_004364.3); short protein forms D182N, D287N, D301N, D336N.
Identifiers: ClinVar variation 1015743 (VCV001015743.10), dbSNP rs1967163668, ClinGen allele CA405273968.

ClinVar aggregate classification (germline): Uncertain significance. Review status: criteria provided, multiple submitters, no conflicts (2 of 4 stars). 2 submissions from 2 submitters: Uncertain significance (2). Last evaluated 2025-02-20.

Conditions:
Acute myeloid leukemia (AML). Also called: Acute myeloid leukemia, adult; AML adult; Acute non-lymphocytic leukemia; Acute granulocytic leukemia; Leukemia, acute myelogenous, somatic; Leukemia, acute myeloid, somatic. Identifiers: Orphanet 519, MedGen C0023467, MeSH D015470, MONDO:0018874, OMIM 601626, HP:0004808. Disease mechanism: Constitutively activated FLT3.
Inborn genetic diseases. Identifiers: MedGen C0950123, MeSH D030342.

Allele frequency attached by ClinVar (database versions not stated): gnomAD exomes below 0.00001.
gnomAD v4.1: 1 of 1,613,576 alleles (0.000062%); highest among the groups gnomAD compares: Admixed American, 0.0017%; no homozygotes.

Submissions (2):

Ambry Genetics
Classification: Uncertain significance for Inborn genetic diseases. Last evaluated: 2025-02-20. Review status: criteria provided, single submitter. Criteria: Ambry Variant Classification Scheme 2023. Collection method: clinical testing. Allele origin: germline.
Comment: The p.D301N variant (also known as c.901G>A), located in coding exon 1 of the CEBPA gene, results from a G to A substitution at nucleotide position 901. The aspartic acid at codon 301 is replaced by asparagine, an amino acid with highly similar properties. This amino acid position is highly conserved in available vertebrate species. In addition, this alteration is predicted to be tolerated by in silico analysis. Based on the available evidence, the clinical significance of this variant remains unclear.

Labcorp Genetics (formerly Invitae), Labcorp
Classification: Uncertain significance for Acute myeloid leukemia. Last evaluated: 2024-10-11. Review status: criteria provided, single submitter. Criteria: Invitae Variant Classification Sherloc (09022015). Collection method: clinical testing. Allele origin: germline.
Comment: This sequence change replaces aspartic acid, which is acidic and polar, with asparagine, which is neutral and polar, at codon 301 of the CEBPA protein (p.Asp301Asn). This variant is not present in population databases (gnomAD no frequency). This variant has not been reported in the literature in individuals affected with CEBPA-related conditions. ClinVar contains an entry for this variant (Variation ID: 1015743). Invitae Evidence Modeling of protein sequence and biophysical properties (such as structural, functional, and spatial information, amino acid conservation, physicochemical variation, residue mobility, and thermodynamic stability) indicates that this missense variant is expected to disrupt CEBPA protein function with a positive predictive value of 80%. In summary, the available evidence is currently insufficient to determine the role of this variant in disease. Therefore, it has been classified as a Variant of Uncertain Significance.